The following is an entry in ClinVar:

NM_024809.5(TCTN2):c.1074C>G (p.Asp358Glu)

Gene: TCTN2 (tectonic family member 2; plus strand). Cytogenetic location: 12q24.31.
Variant type: single nucleotide variant.
Coding change: c.1074C>G on transcript NM_024809.5 (MANE Select); coding-DNA position 1074, C replaced by G.
Protein change: p.Asp358Glu; replaces aspartic acid 358 with glutamic acid.
Molecular consequence: missense variant.
Genome position (GRCh38, 1-based): chr12:123,692,698, C>G. VCF-style: chr12-123692698-C-G. GRCh37 (hg19) VCF-style: chr12-124177245-C-G.
Other names: c.1071C>G, p.Asp357Glu (NM_001143850.3); c.1074C>G, p.Asp358Glu (NM_001410989.1); short protein forms D357E, D358E.
Identifiers: ClinVar variation 1957021 (VCV001957021.3), dbSNP rs764847666, ClinGen allele CA6861094.

ClinVar aggregate classification (germline): Uncertain significance (1 of 4 stars; one submission).

Conditions:
Joubert syndrome. Also called: CEREBELLOPARENCHYMAL DISORDER IV; JOUBERT-BOLTSHAUSER SYNDROME; Familial aplasia of the vermis. Identifiers: Orphanet 475, MedGen C5979921, MONDO:0018772.
Meckel-Gruber syndrome. Also called: DYSENCEPHALIA SPLANCHNOCYSTICA; GRUBER SYNDROME; Dysencephalia splachnocystica. Identifiers: Orphanet 564, MedGen C0265215, MONDO:0018921.

Allele frequency attached by ClinVar (database versions not stated): TOPMed below 0.00001; ExAC 0.00001; gnomAD exomes 0.00001.
gnomAD v4.1: 17 of 1,613,654 alleles (0.0011%); highest among the groups gnomAD compares: Non-Finnish European, 0.0014%; no homozygotes.

Submission:

Labcorp Genetics (formerly Invitae), Labcorp
Classification: Uncertain significance for Joubert syndrome; Meckel-Gruber syndrome. Last evaluated: 2022-08-03. Review status: criteria provided, single submitter. Criteria: Invitae Variant Classification Sherloc (09022015). Collection method: clinical testing. Allele origin: germline.
Comment: This variant is present in population databases (rs764847666, gnomAD 0.002%). In summary, the available evidence is currently insufficient to determine the role of this variant in disease. Therefore, it has been classified as a Variant of Uncertain Significance. Algorithms developed to predict the effect of missense changes on protein structure and function are either unavailable or do not agree on the potential impact of this missense change (SIFT: "Deleterious"; PolyPhen-2: "Probably Damaging"; Align-GVGD: "Class C0"). This variant has not been reported in the literature in individuals affected with TCTN2-related conditions. This sequence change replaces aspartic acid, which is acidic and polar, with glutamic acid, which is acidic and polar, at codon 358 of the TCTN2 protein (p.Asp358Glu).